The following is an entry in ClinVar:

ClinVar aggregate classification (germline): Uncertain significance (1 of 4 stars; one submission).

Submission:

GeneDx
Classification: Uncertain significance. Last evaluated: 2022-11-07. Review status: criteria provided, single submitter. Criteria: GeneDx Variant Classification Process June 2021. Collection method: clinical testing. Allele origin: germline. Affected: yes.
Comment: Not observed at significant frequency in large population cohorts (gnomAD); In silico analysis supports that this missense variant has a deleterious effect on protein structure/function; Has not been previously published as pathogenic or benign to our knowledge

NM_005120.3(MED12):c.4097T>C (p.Met1366Thr)

Gene: MED12 (mediator complex subunit 12; plus strand). Cytogenetic location: Xq13.1.
Variant type: single nucleotide variant.
Coding change: c.4097T>C on transcript NM_005120.3 (MANE Select); coding-DNA position 4097, T replaced by C.
Protein change: p.Met1366Thr; replaces methionine 1366 with threonine.
Molecular consequence: missense variant.
Genome position (GRCh38, 1-based): chrX:71,131,599, T>C. VCF-style: chrX-71131599-T-C. GRCh37 (hg19) VCF-style: chrX-70351449-T-C.
Other names: short protein forms M1366T.
Identifiers: ClinVar variation 2501437 (VCV002501437.1), dbSNP rs2519698164, ClinGen allele CA413525082.